The following is an entry in ClinVar:

ClinVar aggregate classification (germline): Likely benign. Review status: criteria provided, multiple submitters, no conflicts (2 of 4 stars). 3 submissions from 3 submitters: Likely benign (3). Last evaluated 2025-11-09.

Conditions:
CACNA1F-related disorder. Also called: CACNA1F-related condition.

Allele frequency attached by ClinVar (database versions not stated): gnomAD exomes 0.00005 and 0.00014; 1000 Genomes Project 30x 0.00021; ExAC 0.00021; 1000 Genomes Project 0.00026; TOPMed 0.00035; gnomAD 0.00037 and 0.00038; ESP Exome Variant Server 0.00047.
gnomAD v4.1: 96 of 1,208,036 alleles (0.0079%); highest among the groups gnomAD compares: African/African-American, 0.13%; no homozygotes.

Submissions (3):

Labcorp Genetics (formerly Invitae), Labcorp
Classification: Likely benign. Last evaluated: 2025-11-09. Review status: criteria provided, single submitter. Criteria: Invitae Variant Classification Sherloc (09022015). Collection method: clinical testing. Allele origin: germline.

PreventionGenetics, part of Exact Sciences
Classification: Likely benign for CACNA1F-related condition. Last evaluated: 2025-08-23. Review status: criteria provided, single submitter. Criteria: ACMG Guidelines, 2015. Collection method: clinical testing. Allele origin: germline.
Comment: This variant is classified as likely benign based on ACMG/AMP sequence variant interpretation guidelines (Richards et al. 2015 PMID: 25741868, with internal and published modifications).

Blueprint Genetics
Classification: Likely benign. Last evaluated: 2024-06-26. Review status: criteria provided, single submitter. Criteria: ACMG Guidelines, 2015. Collection method: clinical testing. Allele origin: germline.

NM_001256789.3(CACNA1F):c.3389G>A (p.Arg1130His)

Gene: CACNA1F (calcium voltage-gated channel subunit alpha1 F; minus strand). Cytogenetic location: Xp11.23.
Variant type: single nucleotide variant.
Coding change: c.3389G>A on transcript NM_001256789.3 (MANE Select); coding-DNA position 3389, G replaced by A.
Protein change: p.Arg1130His; replaces arginine 1130 with histidine.
Molecular consequence: missense variant.
Genome position (GRCh38, 1-based): chrX:49,215,391, C>T on the plus strand (G>A on the coding strand, the complement: CACNA1F is on the minus strand). VCF-style: chrX-49215391-C-T. GRCh37 (hg19) VCF-style: chrX-49071851-C-T.
Other names: c.3227G>A, p.Arg1076His (NM_001256790.3); c.3422G>A, p.Arg1141His (NM_005183.4); short protein forms R1076H, R1141H, R1130H.
Identifiers: ClinVar variation 754106 (VCV000754106.13), dbSNP rs34856175, ClinGen allele CA10410466.